The following is an entry in ClinVar:

NM_021008.4(DEAF1):c.475G>A (p.Glu159Lys)

Gene: DEAF1 (DEAF1 transcription factor; minus strand). Cytogenetic location: 11p15.5.
Variant type: single nucleotide variant.
Coding change: c.475G>A on transcript NM_021008.4 (MANE Select); coding-DNA position 475, G replaced by A.
Protein change: p.Glu159Lys; replaces glutamic acid 159 with lysine.
Molecular consequence: missense variant. On other transcripts: 5 prime UTR variant (1).
Genome position (GRCh38, 1-based): chr11:688,373, C>T on the plus strand (G>A on the coding strand, the complement: DEAF1 is on the minus strand). VCF-style: chr11-688373-C-T. GRCh37 (hg19) VCF-style: chr11-688373-C-T.
Other names: c.475G>A, p.Glu159Lys (NM_001293634.2); c.-252G>A (NM_001367390.1); short protein forms E159K.
Identifiers: ClinVar variation 1717472 (VCV001717472.5), dbSNP rs2494458306, ClinGen allele CA378935242.

ClinVar aggregate classification (germline): Uncertain significance (1 of 4 stars; one submission).

gnomAD v4.1: 1 of 1,613,886 alleles (0.000062%); no homozygotes.

Submission:

Labcorp Genetics (formerly Invitae), Labcorp
Classification: Uncertain significance. Last evaluated: 2022-08-21. Review status: criteria provided, single submitter. Criteria: Invitae Variant Classification Sherloc (09022015). Collection method: clinical testing. Allele origin: germline.
Comment: In summary, the available evidence is currently insufficient to determine the role of this variant in disease. Therefore, it has been classified as a Variant of Uncertain Significance. Advanced modeling of protein sequence and biophysical properties (such as structural, functional, and spatial information, amino acid conservation, physicochemical variation, residue mobility, and thermodynamic stability) performed at Invitae indicates that this missense variant is expected to disrupt DEAF1 protein function. This variant has not been reported in the literature in individuals affected with DEAF1-related conditions. This variant is not present in population databases (gnomAD no frequency). This sequence change replaces glutamic acid, which is acidic and polar, with lysine, which is basic and polar, at codon 159 of the DEAF1 protein (p.Glu159Lys).